The following is an entry in ClinVar:

ClinVar aggregate classification (germline): Uncertain significance (1 of 4 stars; one submission).

Allele frequency attached by ClinVar (database versions not stated): gnomAD exomes below 0.00001 and 0.00001; ExAC 0.00001.
gnomAD v4.1: 11 of 1,613,904 alleles (0.00068%); highest among the groups gnomAD compares: Non-Finnish European, 0.00093%; no homozygotes.

Submission:

Labcorp Genetics (formerly Invitae), Labcorp
Classification: Uncertain significance. Last evaluated: 2021-08-22. Review status: criteria provided, single submitter. Criteria: Invitae Variant Classification Sherloc (09022015). Collection method: clinical testing. Allele origin: germline.
Comment: This sequence change replaces alanine with glycine at codon 428 of the SLC25A12 protein (p.Ala428Gly). The alanine residue is moderately conserved and there is a small physicochemical difference between alanine and glycine. This variant is present in population databases (rs759968024, ExAC 0.002%). This variant has not been reported in the literature in individuals affected with SLC25A12-related conditions. Algorithms developed to predict the effect of missense changes on protein structure and function (SIFT, PolyPhen-2, Align-GVGD) all suggest that this variant is likely to be tolerated. In summary, the available evidence is currently insufficient to determine the role of this variant in disease. Therefore, it has been classified as a Variant of Uncertain Significance.

NM_003705.5(SLC25A12):c.1283C>G (p.Ala428Gly)

Gene: SLC25A12 (solute carrier family 25 member 12; minus strand). Cytogenetic location: 2q31.1.
Variant type: single nucleotide variant.
Coding change: c.1283C>G on transcript NM_003705.5 (MANE Select); coding-DNA position 1283, C replaced by G.
Protein change: p.Ala428Gly; replaces alanine 428 with glycine.
Molecular consequence: missense variant. On other transcripts: non-coding transcript variant (1).
Genome position (GRCh38, 1-based): chr2:171,809,628, G>C on the plus strand (C>G on the coding strand, the complement: SLC25A12 is on the minus strand). VCF-style: chr2-171809628-G-C. GRCh37 (hg19) VCF-style: chr2-172666138-G-C.
Other names: short protein forms A428G.
Identifiers: ClinVar variation 1485480 (VCV001485480.6), dbSNP rs759968024, ClinGen allele CA1966160.